The following is an entry in ClinVar:

NM_001377.3(DYNC2H1):c.2272G>T (p.Glu758Ter)

Gene: DYNC2H1 (dynein cytoplasmic 2 heavy chain 1; plus strand). Cytogenetic location: 11q22.3.
Variant type: single nucleotide variant.
Coding change: c.2272G>T on transcript NM_001377.3 (MANE Select); coding-DNA position 2272, G replaced by T.
Protein change: p.Glu758Ter; replaces glutamic acid 758 with a stop codon.
Molecular consequence: nonsense.
Genome position (GRCh38, 1-based): chr11:103,135,561, G>T. VCF-style: chr11-103135561-G-T. GRCh37 (hg19) VCF-style: chr11-103006290-G-T.
Other names: c.2272G>T, p.Glu758Ter (NM_001080463.2); short protein forms E758*.
Identifiers: ClinVar variation 5014367 (VCV005014367.1).

ClinVar aggregate classification (germline): Pathogenic (1 of 4 stars; one submission).

Conditions:
Asphyxiating thoracic dystrophy 3. Also called: Short rib polydactyly syndrome 2B; Saldino-Noonan Syndrome; SHORT-RIB THORACIC DYSPLASIA 3 WITH OR WITHOUT POLYDACTYLY; POLYDACTYLY WITH NEONATAL CHONDRODYSTROPHY, TYPE I; SHORT-RIB THORACIC DYSPLASIA 3/6 WITH POLYDACTYLY, DIGENIC. Identifiers: Orphanet 474, Orphanet 93269, Orphanet 93270, Orphanet 93271, MedGen C0036069, MONDO:0013127, OMIM 613091.

gnomAD v4.1: 9 of 1,612,826 alleles (0.00056%); highest among the groups gnomAD compares: Non-Finnish European, 0.00076%; no homozygotes.

Submission:

Myriad Genetics, Inc.
Classification: Pathogenic for Asphyxiating thoracic dystrophy 3. Last evaluated: 2025-04-30. Review status: criteria provided, single submitter. Criteria: Myriad Autosomal Dominant, Autosomal Recessive and X-Linked Classification Criteria (2023). Collection method: clinical testing. Allele origin: unknown.
Comment: NM_001377.2(DYNC2H1):c.2272G>T(E758*) is expected to be pathogenic in the context of DYNC2H1-related disorders. This variant is predicted to lead to an abnormal or absent protein product due to the creation of a premature termination codon in DYNC2H1, a gene where loss-of-function variants are known to be pathogenic. Please note: this variant was assessed in the context of healthy population screening.